The following is an entry in ClinVar:

NM_003482.4(KMT2D):c.7724del (p.Pro2575fs)

Gene: KMT2D (lysine methyltransferase 2D; minus strand). Cytogenetic location: 12q13.12.
Variant type: Deletion.
Coding change: c.7724del on transcript NM_003482.4 (MANE Select); coding-DNA position 7724, one base deleted (C; older notation c.7724delC).
Protein change: p.Pro2575fs; shifts the reading frame from proline 2575.
Molecular consequence: frameshift variant.
Genome position (GRCh38, 1-based): chr12:49,040,046, G deleted on the plus strand (C on the coding strand, the reverse complement: KMT2D is on the minus strand); the first of 2 consecutive G bases (chr12:49,040,046-49,040,047); deleting either gives the same sequence. VCF-style (leftmost placement, unchanged base first): chr12-49040045-AG-A. GRCh37 (hg19) VCF-style: chr12-49433828-AG-A.
Other names: short protein forms P2575fs.
Identifiers: ClinVar variation 3641617 (VCV003641617.2).

ClinVar aggregate classification (germline): Pathogenic (1 of 4 stars; one submission).

Conditions:
Kabuki syndrome. Also called: NIIKAWA-KUROKI SYNDROME; Kabuki make-up syndrome. Identifiers: Orphanet 2322, MedGen C0796004, MONDO:0016512.

Submission:

Labcorp Genetics (formerly Invitae), Labcorp
Classification: Pathogenic for Kabuki syndrome. Last evaluated: 2024-02-17. Review status: criteria provided, single submitter. Criteria: Invitae Variant Classification Sherloc (09022015). Collection method: clinical testing. Allele origin: germline.
Comment: This sequence change creates a premature translational stop signal (p.Pro2575Leufs*8) in the KMT2D gene. It is expected to result in an absent or disrupted protein product. Loss-of-function variants in KMT2D are known to be pathogenic (PMID: 22126750). This variant is not present in population databases (gnomAD no frequency). This variant has not been reported in the literature in individuals affected with KMT2D-related conditions. For these reasons, this variant has been classified as Pathogenic.

Literature cited by the submitters: PubMed 22126750.